The following is an entry in ClinVar:

NM_002662.5(PLD1):c.878C>T (p.Thr293Met)

Gene: PLD1 (phospholipase D1; minus strand). Cytogenetic location: 3q26.31.
Variant type: single nucleotide variant.
Coding change: c.878C>T on transcript NM_002662.5 (MANE Select); coding-DNA position 878, C replaced by T.
Protein change: p.Thr293Met; replaces threonine 293 with methionine.
Molecular consequence: missense variant.
Genome position (GRCh38, 1-based): chr3:171,713,926, G>A on the plus strand (C>T on the coding strand, the complement: PLD1 is on the minus strand). VCF-style: chr3-171713926-G-A. GRCh37 (hg19) VCF-style: chr3-171431716-G-A.
Other names: c.878C>T, p.Thr293Met (NM_001130081.3); short protein forms T293M.
Identifiers: ClinVar variation 4754725 (VCV004754725.1).

ClinVar aggregate classification (germline): Uncertain significance (1 of 4 stars; one submission).

gnomAD v4.1: 42 of 1,612,788 alleles (0.0026%); highest among the groups gnomAD compares: East Asian, 0.0089%; no homozygotes.

Submission:

Labcorp Genetics (formerly Invitae), Labcorp
Classification: Uncertain significance. Last evaluated: 2025-10-08. Review status: criteria provided, single submitter. Criteria: Invitae Variant Classification Sherloc (09022015). Collection method: clinical testing. Allele origin: germline.
Comment: This sequence change replaces threonine, which is neutral and polar, with methionine, which is neutral and non-polar, at codon 293 of the PLD1 protein (p.Thr293Met). This variant is present in population databases (rs200560558, gnomAD 0.01%). This variant has not been reported in the literature in individuals affected with PLD1-related conditions. Invitae Evidence Modeling of protein sequence and biophysical properties (such as structural, functional, and spatial information, amino acid conservation, physicochemical variation, residue mobility, and thermodynamic stability) indicates that this missense variant is not expected to disrupt PLD1 protein function with a negative predictive value of 80%. In summary, the available evidence is currently insufficient to determine the role of this variant in disease. Therefore, it has been classified as a Variant of Uncertain Significance.